The following is an entry in ClinVar:

NM_006231.4(POLE):c.5117T>C (p.Met1706Thr)

Gene: POLE (DNA polymerase epsilon, catalytic subunit; minus strand). Cytogenetic location: 12q24.33.
Variant type: single nucleotide variant.
Coding change: c.5117T>C on transcript NM_006231.4 (MANE Select); coding-DNA position 5117, T replaced by C.
Protein change: p.Met1706Thr; replaces methionine 1706 with threonine.
Molecular consequence: missense variant.
Genome position (GRCh38, 1-based): chr12:132,642,233, A>G on the plus strand (T>C on the coding strand, the complement: POLE is on the minus strand). VCF-style: chr12-132642233-A-G. GRCh37 (hg19) VCF-style: chr12-133218819-A-G.
Other names: short protein forms M1706T.
Identifiers: ClinVar variation 3225472 (VCV003225472.3), dbSNP rs2541883532, ClinGen allele CA387376850.
Genomic context (GRCh38, chr12:132,642,233, plus strand): 5'-TTACCTGTGGAGTAACAGCCTGAACTGTTGATCTCAACAGTGGCTTGGTCATCGAACTCC[A>G]TGACAAGACAGTTGTCATCAGCCTCCTTTCCACCCAGGTCAGGGCGGGCTGTAGGGGACA-3'
Protein context (NP_006222.2, residues 1696-1716): GKEADDNCLV[Met1706Thr]EFDDQATVEI

ClinVar aggregate classification (germline): Uncertain significance. Review status: criteria provided, multiple submitters, no conflicts (2 of 4 stars). 2 submissions from 2 submitters: Uncertain significance (2). Last evaluated 2025-10-26.

Conditions:
Hereditary cancer-predisposing syndrome. Also called: Neoplastic Syndromes, Hereditary; Tumor predisposition; Hereditary neoplastic syndrome; Hereditary Cancer Syndrome. Identifiers: Orphanet 140162, MedGen C0027672, MeSH D009386, MONDO:0015356.

Submissions (2):

Ambry Genetics
Classification: Uncertain significance for Hereditary cancer-predisposing syndrome. Last evaluated: 2025-10-26. Review status: criteria provided, single submitter. Criteria: Ambry Variant Classification Scheme 2023. Collection method: clinical testing. Allele origin: germline.
Comment: The p.M1706T variant (also known as c.5117T>C), located in coding exon 38 of the POLE gene, results from a T to C substitution at nucleotide position 5117. The methionine at codon 1706 is replaced by threonine, an amino acid with similar properties. This amino acid position is conserved. In addition, the in silico prediction for this alteration is inconclusive. Since supporting evidence is limited at this time, the clinical significance of this alteration remains unclear.

Labcorp Genetics (formerly Invitae), Labcorp
Classification: Uncertain significance. Last evaluated: 2025-06-14. Review status: criteria provided, single submitter. Criteria: Invitae Variant Classification Sherloc (09022015). Collection method: clinical testing. Allele origin: germline.
Comment: This sequence change replaces methionine, which is neutral and non-polar, with threonine, which is neutral and polar, at codon 1706 of the POLE protein (p.Met1706Thr). This variant is not present in population databases (gnomAD no frequency). This variant has not been reported in the literature in individuals affected with POLE-related conditions. ClinVar contains an entry for this variant (Variation ID: 3225472). Invitae Evidence Modeling of protein sequence and biophysical properties (such as structural, functional, and spatial information, amino acid conservation, physicochemical variation, residue mobility, and thermodynamic stability) indicates that this missense variant is not expected to disrupt POLE protein function with a negative predictive value of 80%. In summary, the available evidence is currently insufficient to determine the role of this variant in disease. Therefore, it has been classified as a Variant of Uncertain Significance.